The following is an entry in ClinVar:

NM_001330078.2(NRXN1):c.781A>T (p.Asn261Tyr)

Gene: NRXN1 (neurexin 1; minus strand). Cytogenetic location: 2p16.3.
Variant type: single nucleotide variant.
Coding change: c.781A>T on transcript NM_001330078.2 (MANE Select); coding-DNA position 781, A replaced by T.
Protein change: p.Asn261Tyr; replaces asparagine 261 with tyrosine.
Molecular consequence: missense variant. On other transcripts: intron variant (6).
Genome position (GRCh38, 1-based): chr2:50,925,947, T>A on the plus strand (A>T on the coding strand, the complement: NRXN1 is on the minus strand). VCF-style: chr2-50925947-T-A. GRCh37 (hg19) VCF-style: chr2-51153085-T-A.
Other names: c.880A>T, p.Asn294Tyr (NM_001135659.3); c.781A>T, p.Asn261Tyr (NM_001330077.2, NM_001330081.2, NM_001330082.2 and 6 more transcripts); c.778A>T, p.Asn260Tyr (NM_001330079.2, NM_001330093.2); c.772+101555A>T (NM_001330096.2, NM_001330087.2, NM_001330083.2 and 1 more transcripts); c.773-3260A>T (NM_001330088.2, NM_001330089.2); short protein forms N294Y, N260Y, N261Y.
Identifiers: ClinVar variation 2106358 (VCV002106358.4), dbSNP rs781179797, ClinGen allele CA346822914.
Genomic context (GRCh38, chr2:50,925,947, plus strand): 5'-AAGAAATAAAGGACAAATGAGAGTTGGAAAAATAAGGTAGAAAGCACCCACCTTCCACAT[T>A]GTTGTCTTCTGAAAGCACATGACAAGGAGGGAGAGAAAAGGAAAAACATTCATTAAGCAG-3'
Protein context (NP_001317007.1, residues 251-271): RGKDCSQEDN[Asn261Tyr]VEGLAHLMMG

ClinVar aggregate classification (germline): Uncertain significance (1 of 4 stars; one submission).

Conditions:
Pitt-Hopkins-like syndrome 2 (PTHSL2). Identifiers: Orphanet 221150, Orphanet 600663, MedGen C3280479, MONDO:0013690, OMIM 614325.

gnomAD v4.1: 1 of 1,574,392 alleles (0.000064%); highest among the groups gnomAD compares: Non-Finnish European, 0.000086%; no homozygotes.

Submission:

Labcorp Genetics (formerly Invitae), Labcorp
Classification: Uncertain significance for Pitt-Hopkins-like syndrome 2. Last evaluated: 2023-07-21. Review status: criteria provided, single submitter. Criteria: Invitae Variant Classification Sherloc (09022015). Collection method: clinical testing. Allele origin: germline.
Comment: ClinVar contains an entry for this variant (Variation ID: 2106358). Algorithms developed to predict the effect of missense changes on protein structure and function output the following: SIFT: "Not Available"; PolyPhen-2: "Benign"; Align-GVGD: "Not Available". The tyrosine amino acid residue is found in multiple mammalian species, which suggests that this missense change does not adversely affect protein function. In summary, the available evidence is currently insufficient to determine the role of this variant in disease. Therefore, it has been classified as a Variant of Uncertain Significance. This variant has not been reported in the literature in individuals affected with NRXN1-related conditions. This sequence change replaces asparagine, which is neutral and polar, with tyrosine, which is neutral and polar, at codon 294 of the NRXN1 protein (p.Asn294Tyr). This variant is not present in population databases (gnomAD no frequency).